The following is an entry in ClinVar:

NM_000321.3(RB1):c.2212-12G>A

Gene: RB1 (RB transcriptional corepressor 1; plus strand). Cytogenetic location: 13q14.2.
Variant type: single nucleotide variant.
Coding change: c.2212-12G>A on transcript NM_000321.3 (MANE Select); 12 bases into the intron before coding-DNA position 2212, G replaced by A.
Molecular consequence: intron variant.
Genome position (GRCh38, 1-based): chr13:48,464,986, G>A. VCF-style: chr13-48464986-G-A. GRCh37 (hg19) VCF-style: chr13-49039122-G-A.
Identifiers: ClinVar variation 1595064 (VCV001595064.10), dbSNP rs776987458, ClinGen allele CA034567.
Genomic context (GRCh38, chr13:48,464,986, plus strand): 5'-AATTTTAAAATTCATTTAACAAGTAAATTTTACTTTTTTTTTTTTTTTTTTTTTTTTACT[G>A]TTCTTCCTCAGACATTCAAACGTGTTTTGATCAAAGAAGAGGAGTATGATTCTATTATAG-3'

ClinVar aggregate classification (germline): Benign/Likely benign. Review status: criteria provided, multiple submitters, no conflicts (2 of 4 stars). 4 submissions from 4 submitters: Benign (2); Likely benign (2). Last evaluated 2026-06-25.

Conditions:
Retinoblastoma (RB1). Also called: RETINOBLASTOMA, SOMATIC. Identifiers: Orphanet 790, MedGen C0035335, MeSH D012175, MONDO:0008380, OMIM 180200, HP:0009919. Disease mechanism: loss of function. Inheritance: Both sporadic and heritable forms are tested..
Hereditary cancer-predisposing syndrome. Also called: Neoplastic Syndromes, Hereditary; Tumor predisposition; Hereditary Cancer Syndrome; Hereditary neoplastic syndrome. Identifiers: Orphanet 140162, MedGen C0027672, MeSH D009386, MONDO:0015356.

Allele frequency attached by ClinVar (database versions not stated): gnomAD 0.00018 and 0.00008; gnomAD exomes 0.00006 and 0.00010.
gnomAD v4.1: 77 of 734,700 alleles (0.01%); highest among the groups gnomAD compares: Non-Finnish European, 0.013%; no homozygotes.

Submissions (4):

Myriad Genetics, Inc.
Classification: Benign for Retinoblastoma. Last evaluated: 2026-06-25. Review status: criteria provided, single submitter. Criteria: Myriad Autosomal Dominant, Autosomal Recessive and X-Linked Classification Criteria (2023). Collection method: clinical testing. Allele origin: unknown.
Comment: This variant is considered benign. This variant is intronic and is not expected to impact mRNA splicing. This variant has been observed at a population frequency that is significantly greater than expected given the associated disease prevalence and penetrance.

Labcorp Genetics (formerly Invitae), Labcorp
Classification: Likely benign for Retinoblastoma. Last evaluated: 2026-01-19. Review status: criteria provided, single submitter. Criteria: Invitae Variant Classification Sherloc (09022015). Collection method: clinical testing. Allele origin: germline.

Color Diagnostics, LLC DBA Color Health
Classification: Benign for Retinoblastoma. Last evaluated: 2022-05-03. Review status: criteria provided, single submitter. Criteria: ACMG Guidelines, 2015. Collection method: clinical testing. Allele origin: germline.

Sema4
Classification: Likely benign for Hereditary cancer-predisposing syndrome. Last evaluated: 2021-06-07. Review status: criteria provided, single submitter. Criteria: Sema4 Curation Guidelines. Collection method: curation. Allele origin: germline.